The following is an entry in ClinVar:

ClinVar aggregate classification (germline): Benign/Likely benign. Review status: criteria provided, multiple submitters, no conflicts (2 of 4 stars). 4 submissions from 4 submitters: Benign (1); Likely benign (2). 1 of the submissions does not count toward it. Last evaluated 2025-11-01.

Conditions:
OGDH-related disorder. Also called: OGDH-related condition.
Oxoglutaricaciduria. Identifiers: Orphanet 31, MedGen C2752074, MONDO:0008759, OMIM 203740.

Allele frequency attached by ClinVar (database versions not stated): gnomAD exomes 0.00015 and 0.00033; 1000 Genomes Project 0.00040; ExAC 0.00040; 1000 Genomes Project 30x 0.00047; gnomAD 0.00090 and 0.00100; TOPMed 0.00111; ESP Exome Variant Server 0.00123.
gnomAD v4.1: 352 of 1,614,194 alleles (0.022%); highest among the groups gnomAD compares: African/African-American, 0.36%; no homozygotes.

Submissions (4):

CeGaT Center for Human Genetics Tuebingen
Classification: Likely benign. Last evaluated: 2025-11-01. Review status: criteria provided, single submitter. Criteria: CeGaT Center For Human Genetics Tuebingen Variant Classification Criteria Version 2. Collection method: clinical testing. Allele origin: germline. Affected: yes. Observed: 1 variant allele.
Comment: OGDH: BP4, BP7

Mayo Clinic Laboratories, Mayo Clinic
Classification: Likely benign. Last evaluated: 2025-08-15. Review status: criteria provided, single submitter. Criteria: ACMG Guidelines, 2015. Collection method: clinical testing. Allele origin: germline. Observed: 2 variant alleles.
Comment: BP4, BP7, PM2_moderate

Labcorp Genetics (formerly Invitae), Labcorp
Classification: Benign for Oxoglutaricaciduria. Last evaluated: 2025-08-13. Review status: criteria provided, single submitter. Criteria: Invitae Variant Classification Sherloc (09022015). Collection method: clinical testing. Allele origin: germline.

PreventionGenetics, part of Exact Sciences
Classification: Likely benign for OGDH-related condition. Last evaluated: 2021-09-22. Review status: no assertion criteria provided. Collection method: clinical testing. Allele origin: germline. Not counted in ClinVar's aggregate classification.
Comment: This variant is classified as likely benign based on ACMG/AMP sequence variant interpretation guidelines (Richards et al. 2015 PMID: 25741868, with internal and published modifications).

NM_002541.4(OGDH):c.1830G>A (p.Thr610=)

Gene: OGDH (oxoglutarate dehydrogenase; plus strand). Cytogenetic location: 7p13.
Variant type: single nucleotide variant.
Coding change: c.1830G>A on transcript NM_002541.4 (MANE Select); coding-DNA position 1830, G replaced by A.
Protein change: p.Thr610=; no amino-acid change (threonine 610 retained).
Molecular consequence: synonymous variant.
Genome position (GRCh38, 1-based): chr7:44,696,487, G>A. VCF-style: chr7-44696487-G-A. GRCh37 (hg19) VCF-style: chr7-44736086-G-A.
Other names: p.Thr610=; c.1863G>A (NM_001363523.1); c.1818G>A, p.Thr606= (NM_001165036.2); c.1863G>A, p.Thr621= (NM_001363523.2).
Identifiers: ClinVar variation 724706 (VCV000724706.17), dbSNP rs150682094, ClinGen allele CA4243944.
Genomic context (GRCh38, chr7:44,696,487, plus strand): 5'-AGGCTTCTTCACCCTGGACGGGCAGCCCAGGAGCATGTCCTGCCCCTCCACGGGTCTGAC[G>A]GAGGATATTCTGACACACATCGGGAATGTGGCTAGTTCTGTGCCTGTGGAAAACTTTACT-3'
Protein context (NP_002532.2, residues 600-620): RSMSCPSTGL[Thr610=]EDILTHIGNV